The following is an entry in ClinVar:

NC_000015.9:g.(?_42686444)_(42697047_?)del

Gene: CAPN3 (calpain 3; plus strand). Cytogenetic location: 15q15.1.
Variant type: Deletion.
Identifiers: ClinVar variation 2422298 (VCV002422298.3).

ClinVar aggregate classification (germline): Pathogenic (1 of 4 stars; one submission).

Conditions:
Autosomal recessive limb-girdle muscular dystrophy type 2A (LGMDR1). Also called: Limb-girdle muscular dystrophy, type 2A; Calpainopathy; Muscular dystrophy, limb-girdle, type 2A, Amish; LEYDEN-MOEBIUS MUSCULAR DYSTROPHY; MUSCULAR DYSTROPHY, PELVOFEMORAL. Identifiers: Orphanet 267, MedGen C1869123, MONDO:0009675, OMIM 253600. Disease mechanism: loss of function.

Submission:

Labcorp Genetics (formerly Invitae), Labcorp
Classification: Pathogenic for Autosomal recessive limb-girdle muscular dystrophy type 2A. Last evaluated: 2021-04-16. Review status: criteria provided, single submitter. Criteria: Invitae Variant Classification Sherloc (09022015). Collection method: clinical testing. Allele origin: germline.
Comment: For these reasons, this variant has been classified as Pathogenic. This variant disrupts the p.Arg355 amino acid residue in CAPN3. Other variant(s) that disrupt this residue have been determined to be pathogenic (PMID: 15689361, 17236769, 19364062, 23821418, 29970176). This suggests that this residue is clinically significant, and that variants that disrupt this residue are likely to be disease-causing. Experimental studies and prediction algorithms are not available or were not evaluated, and the functional significance of this variant is currently unknown. This variant has been observed in individual(s) with autosomal recessive CAPN3-related conditions (Invitae). In at least one individual the data is consistent with the variant being in trans (on the opposite chromosome) from a pathogenic variant. This variant is an in-frame deletion of the genomic region encompassing exon(s) 8-14 of the CAPN3 gene. It preserves the integrity of the reading frame.

Literature cited by the submitters: PubMed 15689361; PubMed 17236769; PubMed 19364062; PubMed 23821418; PubMed 29970176.